The following is an entry in ClinVar:

NM_001349338.3(FOXP1):c.61G>A (p.Gly21Ser)

Gene: FOXP1 (forkhead box P1; minus strand). Cytogenetic location: 3p13.
Variant type: single nucleotide variant.
Coding change: c.61G>A on transcript NM_001349338.3 (MANE Select); coding-DNA position 61, G replaced by A.
Protein change: p.Gly21Ser; replaces glycine 21 with serine.
Molecular consequence: missense variant. On other transcripts: non-coding transcript variant (2).
Genome position (GRCh38, 1-based): chr3:71,198,321, C>T on the plus strand (G>A on the coding strand, the complement: FOXP1 is on the minus strand). VCF-style: chr3-71198321-C-T. GRCh37 (hg19) VCF-style: chr3-71247472-C-T.
Other names: c.61G>A, p.Gly21Ser (NM_001012505.2, NM_001244808.3, NM_001244810.2 and 6 more transcripts); short protein forms G21S.
Identifiers: ClinVar variation 3617574 (VCV003617574.2).

ClinVar aggregate classification (germline): Uncertain significance (1 of 4 stars; one submission).

Submission:

Labcorp Genetics (formerly Invitae), Labcorp
Classification: Uncertain significance. Last evaluated: 2025-03-17. Review status: criteria provided, single submitter. Criteria: Invitae Variant Classification Sherloc (09022015). Collection method: clinical testing. Allele origin: germline.
Comment: This sequence change replaces glycine, which is neutral and non-polar, with serine, which is neutral and polar, at codon 21 of the FOXP1 protein (p.Gly21Ser). This variant is not present in population databases (gnomAD no frequency). This variant has not been reported in the literature in individuals affected with FOXP1-related conditions. Invitae Evidence Modeling of protein sequence and biophysical properties (such as structural, functional, and spatial information, amino acid conservation, physicochemical variation, residue mobility, and thermodynamic stability) has been performed for this missense variant. However, the output from this modeling did not meet the statistical confidence thresholds required to predict the impact of this variant on FOXP1 protein function. In summary, the available evidence is currently insufficient to determine the role of this variant in disease. Therefore, it has been classified as a Variant of Uncertain Significance.